The following is an entry in ClinVar:

ClinVar aggregate classification (germline): Uncertain significance (1 of 4 stars; one submission).

Conditions:
Microcephaly, normal intelligence and immunodeficiency (NBS). Also called: BERLIN BREAKAGE SYNDROME; Immunodeficiency, microcephaly with normal intelligence; SEEMANOVA SYNDROME II; Nijmegen breakage syndrome; Microcephaly with normal intelligence immunodeficiency and lymphoreticular malignancies; Nonsyndromal microcephaly autosomal recessive with normal intelligence. Identifiers: Orphanet 647, MedGen C0398791, MONDO:0009623, OMIM 251260.

gnomAD v4.1: 1 of 1,613,582 alleles (0.000062%); highest among the groups gnomAD compares: African/African-American, 0.0013%; no homozygotes.

Submission:

Labcorp Genetics (formerly Invitae), Labcorp
Classification: Uncertain significance for Microcephaly, normal intelligence and immunodeficiency. Last evaluated: 2022-03-07. Review status: criteria provided, single submitter. Criteria: Invitae Variant Classification Sherloc (09022015). Collection method: clinical testing. Allele origin: germline.
Comment: ClinVar contains an entry for this variant (Variation ID: 1000422). In summary, the available evidence is currently insufficient to determine the role of this variant in disease. Therefore, it has been classified as a Variant of Uncertain Significance. Algorithms developed to predict the effect of missense changes on protein structure and function (SIFT, PolyPhen-2, Align-GVGD) all suggest that this variant is likely to be tolerated. This variant has not been reported in the literature in individuals affected with NBN-related conditions. This variant is not present in population databases (gnomAD no frequency). This sequence change replaces asparagine, which is neutral and polar, with lysine, which is basic and polar, at codon 503 of the NBN protein (p.Asn503Lys).

NM_002485.5(NBN):c.1509T>A (p.Asn503Lys)

Gene: NBN (nibrin; minus strand). Cytogenetic location: 8q21.3.
Variant type: single nucleotide variant.
Coding change: c.1509T>A on transcript NM_002485.5 (MANE Select); coding-DNA position 1509, T replaced by A.
Protein change: p.Asn503Lys; replaces asparagine 503 with lysine.
Molecular consequence: missense variant.
Genome position (GRCh38, 1-based): chr8:89,953,580, A>T on the plus strand (T>A on the coding strand, the complement: NBN is on the minus strand). VCF-style: chr8-89953580-A-T. GRCh37 (hg19) VCF-style: chr8-90965808-A-T.
Other names: c.1263T>A, p.Asn421Lys (NM_001024688.3); short protein forms N421K, N503K.
Identifiers: ClinVar variation 1000422 (VCV001000422.8), dbSNP rs876660751, ClinGen allele CA371655707.